The following is an entry in ClinVar:

NM_001376.5(DYNC1H1):c.257-6T>A

Gene: DYNC1H1 (dynein cytoplasmic 1 heavy chain 1; plus strand). Cytogenetic location: 14q32.31.
Variant type: single nucleotide variant.
Coding change: c.257-6T>A on transcript NM_001376.5 (MANE Select); 6 bases into the intron before coding-DNA position 257, T replaced by A.
Molecular consequence: intron variant.
Genome position (GRCh38, 1-based): chr14:101,975,706, T>A. VCF-style: chr14-101975706-T-A. GRCh37 (hg19) VCF-style: chr14-102442043-T-A.
Other names: c.257-6T>A (NM_001376.4).
Identifiers: ClinVar variation 1517285 (VCV001517285.17), dbSNP rs2141266656, ClinGen allele CA2573150594.

ClinVar aggregate classification (germline): Conflicting classifications of pathogenicity. Review status: criteria provided, conflicting classifications (1 of 4 stars). 3 submissions from 3 submitters: Uncertain significance (2); Likely benign (1). Last evaluated 2025-05-01.

Conditions:
Inborn genetic diseases. Identifiers: MedGen C0950123, MeSH D030342.
Charcot-Marie-Tooth disease axonal type 2O. Also called: CHARCOT-MARIE-TOOTH NEUROPATHY, AXONAL, TYPE 2O; CHARCOT-MARIE-TOOTH DISEASE, AXONAL, AUTOSOMAL DOMINANT, TYPE 2O; Charcot-Marie-Tooth Neuropathy Type 2O; Charcot-Marie-Tooth disease, axonal, type 20. Identifiers: Orphanet 284232, MedGen C3280220, MONDO:0013644, OMIM 614228.

Submissions (3):

CeGaT Center for Human Genetics Tuebingen
Classification: Uncertain significance. Last evaluated: 2025-05-01. Review status: criteria provided, single submitter. Criteria: CeGaT Center For Human Genetics Tuebingen Variant Classification Criteria Version 2. Collection method: clinical testing. Allele origin: germline. Affected: yes. Observed: 1 variant allele.
Comment: DYNC1H1: PM2, BP4

Labcorp Genetics (formerly Invitae), Labcorp
Classification: Likely benign for Charcot-Marie-Tooth disease axonal type 2O. Last evaluated: 2024-06-26. Review status: criteria provided, single submitter. Criteria: Invitae Variant Classification Sherloc (09022015). Collection method: clinical testing. Allele origin: germline.

Ambry Genetics
Classification: Uncertain significance for Inborn genetic diseases. Last evaluated: 2019-12-06. Review status: criteria provided, single submitter. Criteria: Ambry Variant Classification Scheme 2023. Collection method: clinical testing. Allele origin: germline.
Comment: The c.257-6T>A intronic alteration consists of a T to A substitution 6 nucleotides before coding exon 2 in the DYNC1H1 gene. Based on insufficient or conflicting evidence, the clinical significance of this alteration remains unclear.